The following is an entry in ClinVar:

ClinVar aggregate classification (germline): Uncertain significance. Review status: criteria provided, multiple submitters, no conflicts (2 of 4 stars). 2 submissions from 2 submitters: Uncertain significance (2). Last evaluated 2024-05-14.

Conditions:
Malignant hyperthermia, susceptibility to, 1 (MHS1). Also called: Anesthesia related hyperthermia; Malignant hyperpyrexia; Fulminating hyperpyrexia; Pharmacogenic myopathy; RYR1-Related Malignant Hyperthermia Susceptibility; Malignant hyperthermia suceptibility 1. Identifiers: Orphanet 423, MedGen C2930980, MONDO:0007783, OMIM 145600.
RYR1-related disorder. Also called: RYR1-related condition; RYR1-related disorders. Identifiers: MedGen CN239331.

gnomAD v4.1: 7 of 1,547,872 alleles (0.00045%); highest among the groups gnomAD compares: Non-Finnish European, 0.00061%; no homozygotes.

Submissions (2):

All of Us Research Program, National Institutes of Health
Classification: Uncertain significance for Malignant hyperthermia, susceptibility to, 1. Last evaluated: 2024-05-14. Review status: criteria provided, single submitter. Criteria: ACMG Guidelines, 2015. Collection method: clinical testing. Allele origin: germline. Inheritance: Autosomal dominant inheritance. Observed: 1 variant allele, 1 heterozygote.
Comment: This missense variant replaces proline with serine at codon 1369 of the RYR1 protein. Computational prediction suggests that this variant may not impact protein structure and function (internally defined REVEL score threshold <= 0.5, PMID: 27666373). To our knowledge, functional studies have not been reported for this variant. This variant has not been reported in individuals affected with RYR1-related disorders in the literature. This variant has not been identified in the general population by the Genome Aggregation Database (gnomAD). The available evidence is insufficient to determine the role of this variant in disease conclusively. Therefore, this variant is classified as a Variant of Uncertain Significance.

This study involves interpretation of variants in research participants for the purpose of population health screening. Participant phenotype was not available at the time of variant classification. Additional details can be found in publication PMID: 35346344, PMCID: PMC8962531

PreventionGenetics, part of Exact Sciences
Classification: Uncertain significance for RYR1-related condition. Last evaluated: 2023-05-09. Review status: criteria provided, single submitter. Criteria: ACMG Guidelines, 2015. Collection method: clinical testing. Allele origin: germline.
Comment: The RYR1 c.4105C>T variant is predicted to result in the amino acid substitution p.Pro1369Ser. To our knowledge, this variant has not been reported in the literature or in a large population database, indicating this variant is rare. At this time, the clinical significance of this variant is uncertain due to the absence of conclusive functional and genetic evidence.

NM_000540.3(RYR1):c.4105C>T (p.Pro1369Ser)

Gene: RYR1 (ryanodine receptor 1; plus strand). Cytogenetic location: 19q13.2.
Variant type: single nucleotide variant.
Coding change: c.4105C>T on transcript NM_000540.3 (MANE Select); coding-DNA position 4105, C replaced by T.
Protein change: p.Pro1369Ser; replaces proline 1369 with serine.
Molecular consequence: missense variant.
Genome position (GRCh38, 1-based): chr19:38,473,716, C>T. VCF-style: chr19-38473716-C-T. GRCh37 (hg19) VCF-style: chr19-38964356-C-T.
Other names: c.4105C>T, p.Pro1369Ser (NM_001042723.2); short protein forms P1369S.
Identifiers: ClinVar variation 2628813 (VCV002628813.2), dbSNP rs750369681, ClinGen allele CA308079836.